The following is an entry in ClinVar:

ClinVar aggregate classification (germline): Uncertain significance (1 of 4 stars; one submission).

Conditions:
Neuropathy, hereditary motor and sensory, type 6B (HMSN6B). Also called: NEUROPATHY, HEREDITARY MOTOR AND SENSORY, TYPE VIB, WITH OPTIC ATROPHY; Neuropathy, hereditary motor and sensory, type VIB; HMSN VIB; CHARCOT-MARIE-TOOTH DISEASE, TYPE 6B. Identifiers: MedGen C4225302, MONDO:0014671, OMIM 616505.

Allele frequency attached by ClinVar (database versions not stated): gnomAD exomes below 0.00001; ExAC 0.00001.
gnomAD v4.1: 2 of 1,603,428 alleles (0.00012%); highest among the groups gnomAD compares: Non-Finnish European, 0.00017%; no homozygotes.

Submission:

Labcorp Genetics (formerly Invitae), Labcorp
Classification: Uncertain significance for Neuropathy, hereditary motor and sensory, type 6B. Last evaluated: 2022-07-19. Review status: criteria provided, single submitter. Criteria: Invitae Variant Classification Sherloc (09022015). Collection method: clinical testing. Allele origin: germline.
Comment: In summary, the available evidence is currently insufficient to determine the role of this variant in disease. Therefore, it has been classified as a Variant of Uncertain Significance. Variants that disrupt the consensus splice site are a relatively common cause of aberrant splicing (PMID: 17576681, 9536098). Algorithms developed to predict the effect of sequence changes on RNA splicing suggest that this variant may disrupt the consensus splice site. ClinVar contains an entry for this variant (Variation ID: 966827). This variant has not been reported in the literature in individuals affected with SLC25A46-related conditions. This variant is present in population databases (rs755470887, gnomAD 0.0009%). This sequence change falls in intron 3 of the SLC25A46 gene. It does not directly change the encoded amino acid sequence of the SLC25A46 protein. It affects a nucleotide within the consensus splice site.

Literature cited by the submitters: PubMed 17576681; PubMed 9536098.

NM_138773.4(SLC25A46):c.384+4A>C

Gene: SLC25A46 (solute carrier family 25 member 46; plus strand). Cytogenetic location: 5q22.1.
Variant type: single nucleotide variant.
Coding change: c.384+4A>C on transcript NM_138773.4 (MANE Select); 4 bases into the intron after coding-DNA position 384, A replaced by C.
Molecular consequence: intron variant.
Genome position (GRCh38, 1-based): chr5:110,743,791, A>C. VCF-style: chr5-110743791-A-C. GRCh37 (hg19) VCF-style: chr5-110079492-A-C.
Other names: c.111+4A>C (NM_001303250.3); c.384+4A>C (NM_001303249.3).
Identifiers: ClinVar variation 966827 (VCV000966827.8), dbSNP rs755470887, ClinGen allele CA3364570.
Genomic context (GRCh38, chr5:110,743,791, plus strand): 5'-CTCTTTACAGAAAATGTATTGGCACATCCTTGCATTGTTCTACGCCGCCAATGTCAGGTA[A>C]ATGTAATTTCTGTGATCTTTTGAAGCAATACTTCTGACCCTAATATGAAGGGCAGAACTC-3'